The following is an entry in ClinVar:

ClinVar aggregate classification (germline): Uncertain significance (1 of 4 stars; one submission).

Conditions:
Xeroderma pigmentosum, group F (XPF). Also called: XERODERMA PIGMENTOSUM, COMPLEMENTATION GROUP F; XERODERMA PIGMENTOSUM VI; XP, GROUP F; ERCC4-Related Xeroderma Pigmentosum; XERODERMA PIGMENTOSUM, TYPE F; Xeroderma pigmentosum, type 6. Identifiers: MedGen C0268140, MONDO:0010215, OMIM 278760.
Fanconi anemia complementation group Q. Identifiers: Orphanet 84, MedGen C3808988, MONDO:0014108, OMIM 615272.
Cockayne syndrome. Identifiers: Orphanet 191, MedGen C0009207, MONDO:0016006.

gnomAD v4.1: 7 of 1,614,034 alleles (0.00043%); highest among the groups gnomAD compares: Non-Finnish European, 0.00059%; no homozygotes.

Submission:

Labcorp Genetics (formerly Invitae), Labcorp
Classification: Uncertain significance for Fanconi anemia complementation group Q; Xeroderma pigmentosum, group F; Cockayne syndrome. Last evaluated: 2024-10-29. Review status: criteria provided, single submitter. Criteria: Invitae Variant Classification Sherloc (09022015). Collection method: clinical testing. Allele origin: germline.
Comment: This sequence change replaces arginine, which is basic and polar, with threonine, which is neutral and polar, at codon 595 of the ERCC4 protein (p.Arg595Thr). This variant is present in population databases (no rsID available, gnomAD 0.0009%). This variant has not been reported in the literature in individuals affected with ERCC4-related conditions. Invitae Evidence Modeling of protein sequence and biophysical properties (such as structural, functional, and spatial information, amino acid conservation, physicochemical variation, residue mobility, and thermodynamic stability) has been performed for this missense variant. However, the output from this modeling did not meet the statistical confidence thresholds required to predict the impact of this variant on ERCC4 protein function. In summary, the available evidence is currently insufficient to determine the role of this variant in disease. Therefore, it has been classified as a Variant of Uncertain Significance.

NM_005236.3(ERCC4):c.1784G>C (p.Arg595Thr)

Gene: ERCC4 (ERCC excision repair 4, endonuclease catalytic subunit; plus strand). Cytogenetic location: 16p13.12.
Variant type: single nucleotide variant.
Coding change: c.1784G>C on transcript NM_005236.3 (MANE Select); coding-DNA position 1784, G replaced by C.
Protein change: p.Arg595Thr; replaces arginine 595 with threonine.
Molecular consequence: missense variant.
Genome position (GRCh38, 1-based): chr16:13,935,716, G>C. VCF-style: chr16-13935716-G-C. GRCh37 (hg19) VCF-style: chr16-14029573-G-C.
Other names: short protein forms R595T.
Identifiers: ClinVar variation 3752095 (VCV003752095.2).
Genomic context (GRCh38, chr16:13,935,716, plus strand): 5'-CAAGATACGTGGTTCTTTATGACGCAGAGCTAACCTTTGTTCGGCAGCTTGAAATTTACA[G>C]GGCGAGTAGGCCTGGGAAACCTCTGAGGCAAGTTATAAAGAATCACAGCTTTCAGTTGCA-3'
Protein context (NP_005227.1, residues 585-605): LTFVRQLEIY[Arg595Thr]ASRPGKPLRV